The following is an entry in ClinVar:

ClinVar aggregate classification (germline): Uncertain significance (1 of 4 stars; one submission).

Conditions:
Ehlers-Danlos syndrome, type 4 (EDSVASC). Also called: Ehlers-Danlos Syndrome Type IV; Ehlers-Danlos syndrome vascular type; Ehlers Danlos syndrome, ecchymotic type; Ehlers Danlos syndrome, arterial type; Ehlers Danlos syndrome, Sack-Barabas type. Identifiers: Orphanet 286, MedGen C0268338, MONDO:0017314, OMIM 130050.

gnomAD v4.1: 2 of 1,610,542 alleles (0.00012%); highest among the groups gnomAD compares: Non-Finnish European, 0.00017%; no homozygotes.

Submission:

All of Us Research Program, National Institutes of Health
Classification: Uncertain significance for Ehlers-Danlos syndrome, type 4. Last evaluated: 2024-02-22. Review status: criteria provided, single submitter. Criteria: ACMG Guidelines, 2015. Collection method: clinical testing. Allele origin: germline. Inheritance: Autosomal dominant inheritance. Observed: 3 variant alleles, 3 heterozygotes.
Comment: This missense variant replaces aspartic acid with glutamic acid at codon 587 of the COL3A1 protein. Computational prediction suggests that this variant may not impact protein structure and function (internally defined REVEL score threshold <= 0.5, PMID: 27666373). To our knowledge, functional studies have not been reported for this variant. This variant has not been reported in individuals affected with COL3A1-related disorders in the literature. This variant has not been identified in the general population by the Genome Aggregation Database (gnomAD). The available evidence is insufficient to determine the role of this variant in disease conclusively. Therefore, this variant is classified as a Variant of Uncertain Significance.

This study involves interpretation of variants in research participants for the purpose of population health screening. Participant phenotype was not available at the time of variant classification. Additional details can be found in publication PMID: 35346344, PMCID: PMC8962531

NM_000090.4(COL3A1):c.1761T>A (p.Asp587Glu)

Gene: COL3A1 (collagen type III alpha 1 chain; plus strand). Cytogenetic location: 2q32.2.
Variant type: single nucleotide variant.
Coding change: c.1761T>A on transcript NM_000090.4 (MANE Select); coding-DNA position 1761, T replaced by A.
Protein change: p.Asp587Glu; replaces aspartic acid 587 with glutamic acid.
Molecular consequence: missense variant.
Genome position (GRCh38, 1-based): chr2:188,996,496, T>A. VCF-style: chr2-188996496-T-A. GRCh37 (hg19) VCF-style: chr2-189861222-T-A.
Other names: short protein forms D587E.
Identifiers: ClinVar variation 3072212 (VCV003072212.2), dbSNP rs1688322682, ClinGen allele CA349852922.